The following is an entry in ClinVar:

NM_000195.5(HPS1):c.1384G>A (p.Gly462Arg)

Gene: HPS1 (HPS1 biogenesis of lysosomal organelles complex 3 subunit 1; minus strand). Cytogenetic location: 10q24.2.
Variant type: single nucleotide variant.
Coding change: c.1384G>A on transcript NM_000195.5 (MANE Select); coding-DNA position 1384, G replaced by A.
Protein change: p.Gly462Arg; replaces glycine 462 with arginine.
Molecular consequence: missense variant.
Genome position (GRCh38, 1-based): chr10:98,424,326, C>T on the plus strand (G>A on the coding strand, the complement: HPS1 is on the minus strand). VCF-style: chr10-98424326-C-T. GRCh37 (hg19) VCF-style: chr10-100184083-C-T.
Other names: c.412G>A, p.Gly138Arg (NM_001311345.2, NM_001322487.2, NM_001322489.2); c.1384G>A, p.Gly462Arg (NM_001322476.2, NM_001322477.2); c.1285G>A, p.Gly429Arg (NM_001322478.2, NM_001322479.2); c.1123G>A, p.Gly375Arg (NM_001322480.2, NM_001322481.2); c.1024G>A, p.Gly342Arg (NM_001322482.2); c.1015G>A, p.Gly339Arg (NM_001322483.2, NM_001322484.2); c.916G>A, p.Gly306Arg (NM_001322485.2); c.1384G>A (NM_000195.3); short protein forms G306R, G339R, G429R, G342R, G138R, G462R, G375R.
Identifiers: ClinVar variation 2198207 (VCV002198207.3), dbSNP rs775782089, ClinGen allele CA5639055.

ClinVar aggregate classification (germline): Uncertain significance. Review status: criteria provided, multiple submitters, no conflicts (2 of 4 stars). 3 submissions from 3 submitters: Uncertain significance (3). Last evaluated 2024-01-30.

Conditions:
Inborn genetic diseases. Identifiers: MedGen C0950123, MeSH D030342.
Hermansky-Pudlak syndrome 1 (HPS1). Also called: DELTA STORAGE POOL DISEASE. Identifiers: Orphanet 231500, Orphanet 79430, MedGen C2931875, MONDO:0008748, OMIM 203300.

Allele frequency attached by ClinVar (database versions not stated): ExAC 0.00004; gnomAD 0.00004; TOPMed 0.00004.
gnomAD v4.1: 64 of 1,612,462 alleles (0.004%); highest among the groups gnomAD compares: South Asian, 0.0055%; no homozygotes.

Submissions (3):

Fulgent Genetics
Classification: Uncertain significance for Hermansky-Pudlak syndrome 1. Last evaluated: 2024-01-30. Review status: criteria provided, single submitter. Criteria: ACMG Guidelines, 2015. Collection method: clinical testing. Allele origin: germline.

Ambry Genetics
Classification: Uncertain significance for Inborn genetic diseases. Last evaluated: 2023-11-13. Review status: criteria provided, single submitter. Criteria: Ambry Variant Classification Scheme 2023. Collection method: clinical testing. Allele origin: germline.

Labcorp Genetics (formerly Invitae), Labcorp
Classification: Uncertain significance. Last evaluated: 2022-03-21. Review status: criteria provided, single submitter. Criteria: Invitae Variant Classification Sherloc (09022015). Collection method: clinical testing. Allele origin: germline.
Comment: This sequence change replaces glycine, which is neutral and non-polar, with arginine, which is basic and polar, at codon 462 of the HPS1 protein (p.Gly462Arg). This variant is present in population databases (rs775782089, gnomAD 0.009%). This variant has not been reported in the literature in individuals affected with HPS1-related conditions. Algorithms developed to predict the effect of missense changes on protein structure and function output the following: SIFT: "Deleterious"; PolyPhen-2: "Benign"; Align-GVGD: "Class C0". The arginine amino acid residue is found in multiple mammalian species, which suggests that this missense change does not adversely affect protein function. Algorithms developed to predict the effect of sequence changes on RNA splicing suggest that this variant may disrupt the consensus splice site. In summary, the available evidence is currently insufficient to determine the role of this variant in disease. Therefore, it has been classified as a Variant of Uncertain Significance.